The following is an entry in ClinVar:

NM_000278.5(PAX2):c.352C>G (p.Leu118Val)

Gene: PAX2 (paired box 2; plus strand). Cytogenetic location: 10q24.31.
Variant type: single nucleotide variant.
Coding change: c.352C>G on transcript NM_000278.5 (MANE Select); coding-DNA position 352, C replaced by G.
Protein change: p.Leu118Val; replaces leucine 118 with valine.
Molecular consequence: missense variant.
Genome position (GRCh38, 1-based): chr10:100,750,833, C>G. VCF-style: chr10-100750833-C-G. GRCh37 (hg19) VCF-style: chr10-102510590-C-G.
Other names: c.352C>G, p.Leu118Val (NM_003987.5, NM_003988.5, NM_003989.5 and 1 more transcripts); c.445C>G, p.Leu149Val (NM_001304569.2); short protein forms L118V, L149V.
Identifiers: ClinVar variation 1719728 (VCV001719728.5), dbSNP rs2492899916, ClinGen allele CA378258093.

ClinVar aggregate classification (germline): Uncertain significance (1 of 4 stars; one submission).

Conditions:
Renal coloboma syndrome (PAPRS). Also called: PAPILLORENAL SYNDROME; COLOBOMA OF OPTIC NERVE WITH RENAL DISEASE; RENAL-COLOBOMA SYNDROME WITH MACULAR ABNORMALITIES; PAPILLORENAL SYNDROME WITH MILD OCULAR ABNORMALITIES; CONGENITAL ANOMALIES OF THE KIDNEY AND URINARY TRACT WITH OR WITHOUT OCULAR ABNORMALITIES; CAKUT WITH OR WITHOUT OCULAR ABNORMALITIES. Identifiers: Orphanet 1475, MedGen C1852759, MONDO:0007352, OMIM 120330.
Focal segmental glomerulosclerosis 7 (FSGS7). Identifiers: Orphanet 656, MedGen C4014925, MONDO:0014451, OMIM 616002.

Submission:

Labcorp Genetics (formerly Invitae), Labcorp
Classification: Uncertain significance for Renal coloboma syndrome; Focal segmental glomerulosclerosis 7. Last evaluated: 2022-09-18. Review status: criteria provided, single submitter. Criteria: Invitae Variant Classification Sherloc (09022015). Collection method: clinical testing. Allele origin: germline.
Comment: This sequence change replaces leucine, which is neutral and non-polar, with valine, which is neutral and non-polar, at codon 118 of the PAX2 protein (p.Leu118Val). This variant is not present in population databases (gnomAD no frequency). This variant has not been reported in the literature in individuals affected with PAX2-related conditions. Experimental studies and prediction algorithms are not available or were not evaluated, and the functional significance of this variant is currently unknown. In summary, the available evidence is currently insufficient to determine the role of this variant in disease. Therefore, it has been classified as a Variant of Uncertain Significance.